The following is an entry in ClinVar:

ClinVar aggregate classification (germline): Uncertain significance (1 of 4 stars; one submission).

Submission:

Greenwood Genetic Center Diagnostic Laboratories, Greenwood Genetic Center
Classification: Uncertain significance. Last evaluated: 2025-01-14. Review status: criteria provided, single submitter. Criteria: ACMG Guidelines, 2015. Collection method: clinical testing. Allele origin: germline.
Comment: PM2, PP2, PP3

NM_014921.5(ADGRL1):c.2488T>C (p.Cys830Arg)

Genes: ADGRL1 (adhesion G protein-coupled receptor L1; minus strand), ADGRL1-AS1 (ADGRL1 antisense RNA 1; plus strand). Cytogenetic location: 19p13.12.
Variant type: single nucleotide variant.
Coding change: c.2488T>C on transcript NM_014921.5 (MANE Select); coding-DNA position 2488, T replaced by C.
Protein change: p.Cys830Arg; replaces cysteine 830 with arginine.
Molecular consequence: missense variant.
Genome position (GRCh38, 1-based): chr19:14,157,929, A>G on the plus strand (T>C on the coding strand, the complement: ADGRL1 is on the minus strand). VCF-style: chr19-14157929-A-G. GRCh37 (hg19) VCF-style: chr19-14268741-A-G.
Other names: c.2503T>C, p.Cys835Arg (NM_001008701.3); short protein forms C830R, C835R.
Identifiers: ClinVar variation 4851753 (VCV004851753.1).